The following is an entry in ClinVar:

NM_001042492.3(NF1):c.3975-4G>A

Gene: NF1 (neurofibromin 1; plus strand). Cytogenetic location: 17q11.2.
Variant type: single nucleotide variant.
Coding change: c.3975-4G>A on transcript NM_001042492.3 (MANE Select); 4 bases into the intron before coding-DNA position 3975, G replaced by A.
Molecular consequence: intron variant.
Genome position (GRCh38, 1-based): chr17:31,248,980, G>A. VCF-style: chr17-31248980-G-A. GRCh37 (hg19) VCF-style: chr17-29575998-G-A.
Other names: c.3975-4G>A (NM_000267.4).
Identifiers: ClinVar variation 481910 (VCV000481910.21), dbSNP rs760207624, ClinGen allele CA8486311.

ClinVar aggregate classification (germline): Conflicting classifications of pathogenicity. Review status: criteria provided, conflicting classifications (1 of 4 stars). 6 submissions from 5 submitters: Uncertain significance (1); Benign (2); Likely benign (2). 1 of the submissions does not count toward it. Last evaluated 2026-05-19.

Conditions:
Hereditary cancer-predisposing syndrome. Also called: Hereditary neoplastic syndrome; Neoplastic Syndromes, Hereditary; Hereditary Cancer Syndrome; Tumor predisposition. Identifiers: Orphanet 140162, MedGen C0027672, MeSH D009386, MONDO:0015356.
NF1-related disorder. Also called: NF1-related condition. Identifiers: MedGen CN379171.
Cardiovascular phenotype. Identifiers: MedGen CN230736.
Neurofibromatosis, type 1 (NF1). Also called: Peripheral type neurofibromatosis; Neurofibromatosis, type I; VON RECKLINGHAUSEN DISEASE; NEUROFIBROMATOSIS, TYPE I, SOMATIC. Identifiers: Orphanet 636, MedGen C0027831, MONDO:0018975, OMIM 162200. Disease mechanism: loss of function.

Allele frequency attached by ClinVar (database versions not stated): gnomAD exomes 0.00002 and 0.00004; gnomAD 0.00001; TOPMed 0.00002; ExAC 0.00003.
gnomAD v4.1: 12 of 1,612,740 alleles (0.00074%); highest among the groups gnomAD compares: East Asian, 0.02%; no homozygotes.

Submissions (6):

Myriad Genetics, Inc.
Classification: Benign for Neurofibromatosis, type 1. Last evaluated: 2026-05-19. Review status: criteria provided, single submitter. Criteria: Myriad Autosomal Dominant, Autosomal Recessive and X-Linked Classification Criteria (2023). Collection method: clinical testing. Allele origin: unknown.
Comment: This variant is considered benign. This variant is intronic and is not expected to impact mRNA splicing. This variant has been observed at a population frequency that is significantly greater than expected given the associated disease prevalence and penetrance.

Labcorp Genetics (formerly Invitae), Labcorp
Classification: Likely benign for Neurofibromatosis, type 1. Last evaluated: 2025-11-03. Review status: criteria provided, single submitter. Criteria: Invitae Variant Classification Sherloc (09022015). Collection method: clinical testing. Allele origin: germline.

Ambry Genetics
Classification: Benign for Cardiovascular phenotype; Hereditary cancer-predisposing syndrome. Last evaluated: 2021-06-24. Review status: criteria provided, single submitter. Criteria: Ambry Variant Classification Scheme 2023. Collection method: clinical testing. Allele origin: germline.

Genome Diagnostics Laboratory, The Hospital for Sick Children
Classification: Likely benign for Neurofibromatosis, type 1. Last evaluated: 2020-10-26. Review status: criteria provided, single submitter. Criteria: ACMG Guidelines, 2015. Collection method: clinical testing. Allele origin: germline. Affected: yes.

Ambry Genetics
Classification: Uncertain significance for Hereditary cancer-predisposing syndrome. Last evaluated: 2016-03-21. Review status: criteria provided, single submitter. Criteria: Ambry Autosomal Dominant and X-Linked criteria (10/2015). Collection method: clinical testing. Allele origin: germline. Observed: 1 variant allele.
Comment: The c.3975-4G>A intronic variant results from a G to A substitution 4 nucleotides upstream from coding exon 30 in the NF1 gene. This variant was not reported in population based cohorts in the following databases: Database of Single Nucleotide Polymorphisms (dbSNP), NHLBI Exome Sequencing Project (ESP), and 1000 Genomes Project. In the ESP, this variant was not observed in 6503 samples (13006 alleles) with coverage at this position. To date, this alteration has been detected with an allele frequency of approximately 0.001% (greater than 110000alleles tested) in our clinical cohort.This nucleotide position is poorly conserved in available vertebrate species. Using the BDGP and ESEfinder splice site prediction tools, this alteration is not predicted to have any significant effect on this splice acceptor site; however, direct evidence is unavailable.Since supporting evidence is limited at this time, the clinical significance of this alteration remains unclear.

PreventionGenetics, part of Exact Sciences
Classification: Likely benign for NF1-related condition. Last evaluated: 2020-09-08. Review status: no assertion criteria provided. Collection method: clinical testing. Allele origin: germline. Not counted in ClinVar's aggregate classification.
Comment: This variant is classified as likely benign based on ACMG/AMP sequence variant interpretation guidelines (Richards et al. 2015 PMID: 25741868, with internal and published modifications).